The following is an entry in ClinVar:

NM_001457.4(FLNB):c.6837G>A (p.Pro2279=)

Gene: FLNB (filamin B; plus strand). Cytogenetic location: 3p14.3.
Variant type: single nucleotide variant.
Coding change: c.6837G>A on transcript NM_001457.4 (MANE Select); coding-DNA position 6837, G replaced by A.
Protein change: p.Pro2279=; no amino-acid change (proline 2279 retained).
Molecular consequence: synonymous variant.
Genome position (GRCh38, 1-based): chr3:58,156,024, G>A. VCF-style: chr3-58156024-G-A. GRCh37 (hg19) VCF-style: chr3-58141751-G-A.
Other names: c.6930G>A, p.Pro2310= (NM_001164317.2); c.6804G>A, p.Pro2268= (NM_001164318.2); c.6765G>A, p.Pro2255= (NM_001164319.2); c.6837G>A (NM_001457.3).
Identifiers: ClinVar variation 1018081 (VCV001018081.12), dbSNP rs146734593, ClinGen allele CA2469511.

ClinVar aggregate classification (germline): Likely benign. Review status: criteria provided, multiple submitters, no conflicts (2 of 4 stars). 3 submissions from 3 submitters: Likely benign (3). Last evaluated 2026-06-12.

Conditions:
FLNB-related disorder. Also called: FLNB-related disorders; FLNB-related condition. Identifiers: MedGen CN381095.

Allele frequency attached by ClinVar (database versions not stated): ExAC 0.00004; gnomAD exomes 0.00004 and 0.00005; ESP Exome Variant Server 0.00015; gnomAD 0.00027 and 0.00030; 1000 Genomes Project 30x 0.00031; TOPMed 0.00051.
gnomAD v4.1: 116 of 1,614,124 alleles (0.0072%); highest among the groups gnomAD compares: Admixed American, 0.063%; no homozygotes.

Submissions (3):

PreventionGenetics, part of Exact Sciences
Classification: Likely benign for FLNB-related condition. Last evaluated: 2026-06-12. Review status: criteria provided, single submitter. Criteria: ACMG Guidelines, 2015. Collection method: clinical testing. Allele origin: germline.
Comment: This variant is classified as likely benign based on ACMG/AMP sequence variant interpretation guidelines (Richards et al. 2015 PMID: 25741868, with internal and published modifications).

Labcorp Genetics (formerly Invitae), Labcorp
Classification: Likely benign. Last evaluated: 2025-12-11. Review status: criteria provided, single submitter. Criteria: Invitae Variant Classification Sherloc (09022015). Collection method: clinical testing. Allele origin: germline.

CeGaT Center for Human Genetics Tuebingen
Classification: Likely benign. Last evaluated: 2025-11-01. Review status: criteria provided, single submitter. Criteria: CeGaT Center For Human Genetics Tuebingen Variant Classification Criteria Version 2. Collection method: clinical testing. Allele origin: germline. Affected: yes. Observed: 1 variant allele.
Comment: FLNB: BP4, BP7